The following is an entry in ClinVar:

NM_177550.5(SLC13A5):c.1599C>A (p.Asn533Lys)

Gene: SLC13A5 (solute carrier family 13 member 5; minus strand). Cytogenetic location: 17p13.1.
Variant type: single nucleotide variant.
Coding change: c.1599C>A on transcript NM_177550.5 (MANE Select); coding-DNA position 1599, C replaced by A.
Protein change: p.Asn533Lys; replaces asparagine 533 with lysine.
Molecular consequence: missense variant.
Genome position (GRCh38, 1-based): chr17:6,686,315, G>T on the plus strand (C>A on the coding strand, the complement: SLC13A5 is on the minus strand). VCF-style: chr17-6686315-G-T. GRCh37 (hg19) VCF-style: chr17-6589634-G-T.
Other names: c.1461C>A, p.Asn487Lys (NM_001143838.3); c.1548C>A, p.Asn516Lys (NM_001284509.2); c.1470C>A, p.Asn490Lys (NM_001284510.2); c.1599C>A (NM_177550.4); short protein forms N490K, N487K, N516K, N533K.
Identifiers: ClinVar variation 1045805 (VCV001045805.7), dbSNP rs1973250595, ClinGen allele CA397737188.
Genomic context (GRCh38, chr17:6,686,315, plus strand): 5'-GTCAAATATGGCCCGTCCCCAGGTGTTGACAGCCAAAAACACACAGAAGACTCCAATTAT[G>T]TTCATTATGACTCCTGTTTTCACCTGGAAAAGAGACAGAGTCAGCACCCTGAGGCCTGCT-3'
Protein context (NP_808218.1, residues 523-543): ADMVKTGVIM[Asn533Lys]IIGVFCVFLA

ClinVar aggregate classification (germline): Uncertain significance. Review status: criteria provided, multiple submitters, no conflicts (2 of 4 stars). 2 submissions from 2 submitters: Uncertain significance (2). Last evaluated 2024-10-15.

Conditions:
Developmental and epileptic encephalopathy, 25 (DEE25). Also called: Epileptic encephalopathy, early infantile, 25; Developmental and epileptic encephalopathy 25, with amelogenesis imperfecta; Epileptic encephalopathy, early infantile, 25, with amelogenesis imperfecta. Identifiers: Orphanet 442835, MedGen C4014621, MONDO:0014392, OMIM 615905.

Allele frequency attached by ClinVar (database versions not stated): TOPMed below 0.00001.
gnomAD v4.1: 25 of 1,614,126 alleles (0.0015%); highest among the groups gnomAD compares: Non-Finnish European, 0.002%; no homozygotes.

Submissions (2):

GeneDx
Classification: Uncertain significance. Last evaluated: 2024-10-15. Review status: criteria provided, single submitter. Criteria: GeneDx Variant Classification Process June 2021. Collection method: clinical testing. Allele origin: germline. Affected: yes.
Comment: Not observed at significant frequency in large population cohorts (gnomAD); In silico analysis supports that this missense variant has a deleterious effect on protein structure/function; This variant is associated with the following publications: (PMID: 37025451)

Labcorp Genetics (formerly Invitae), Labcorp
Classification: Uncertain significance for Developmental and epileptic encephalopathy, 25. Last evaluated: 2022-08-11. Review status: criteria provided, single submitter. Criteria: Invitae Variant Classification Sherloc (09022015). Collection method: clinical testing. Allele origin: germline.
Comment: This sequence change replaces asparagine, which is neutral and polar, with lysine, which is basic and polar, at codon 533 of the SLC13A5 protein (p.Asn533Lys). This variant is not present in population databases (gnomAD no frequency). This variant has not been reported in the literature in individuals affected with SLC13A5-related conditions. ClinVar contains an entry for this variant (Variation ID: 1045805). Algorithms developed to predict the effect of missense changes on protein structure and function are either unavailable or do not agree on the potential impact of this missense change (SIFT: "Tolerated"; PolyPhen-2: "Possibly Damaging"; Align-GVGD: "Class C15"). In summary, the available evidence is currently insufficient to determine the role of this variant in disease. Therefore, it has been classified as a Variant of Uncertain Significance.